The following is an entry in ClinVar:

ClinVar aggregate classification (germline): Pathogenic. Review status: criteria provided, single submitter (1 of 4 stars). 3 submissions from 3 submitters: Pathogenic (1). 2 of the submissions do not count toward it. Last evaluated 2024-02-01.

Conditions:
Charcot-Marie-Tooth disease X-linked dominant 1. Also called: Charcot-Marie-Tooth Neuropathy X Type 1; X-linked Charcot-Marie-Tooth disease type 1; GJB1 Disorders: Charcot-Marie-Tooth Neuropathy (CMT1X) and Central Nervous System Phenotypes; CHARCOT-MARIE-TOOTH NEUROPATHY, X-LINKED, 1; CHARCOT-MARIE-TOOTH PERONEAL MUSCULAR ATROPHY, X-LINKED; HEREDITARY MOTOR AND SENSORY NEUROPATHY, X-LINKED. Identifiers: Orphanet 101075, MedGen C0393808, MONDO:0010549, OMIM 302800.
Charcot-Marie-Tooth disease. Also called: Charcot-Marie-Tooth Hereditary Neuropathy; Charcot-Marie-Tooth Neuropathy. Identifiers: Orphanet 166, MedGen C0007959, MONDO:0015626.

Submissions (3):

CeGaT Center for Human Genetics Tuebingen
Classification: Pathogenic. Last evaluated: 2024-02-01. Review status: criteria provided, single submitter. Criteria: CeGaT Center For Human Genetics Tuebingen Variant Classification Criteria Version 2. Collection method: clinical testing. Allele origin: germline. Affected: yes. Observed: 2 variant alleles.
Comment: GJB1: PP1:Strong, PVS1:Strong, PM2, PP4, PS4:Supporting

Inherited Neuropathy Consortium Ii, University Of Miami
Classification: Uncertain significance for Charcot-Marie-Tooth disease X-linked dominant 1. Last evaluated: 2016-01-06. Review status: no assertion criteria provided. Collection method: literature only. Allele origin: germline. Affected: yes. Not counted in ClinVar's aggregate classification.

Inherited Neuropathy Consortium
Classification: Uncertain significance for Charcot-Marie-Tooth disease. Review status: no assertion criteria provided. Collection method: literature only. Allele origin: germline. Affected: yes. Not counted in ClinVar's aggregate classification.

Literature cited by the submitters: PubMed 8698335 (cited by Inherited Neuropathy Consortium Ii, University Of Miami and Inherited Neuropathy Consortium).

NM_000166.6(GJB1):c.399G>A (p.Trp133Ter)

Gene: GJB1 (gap junction protein beta 1; plus strand). Cytogenetic location: Xq13.1.
Variant type: single nucleotide variant.
Coding change: c.399G>A on transcript NM_000166.6 (MANE Select); coding-DNA position 399, G replaced by A.
Protein change: p.Trp133Ter; replaces tryptophan 133 with a stop codon.
Molecular consequence: nonsense.
Genome position (GRCh38, 1-based): chrX:71,224,106, G>A. VCF-style: chrX-71224106-G-A. GRCh37 (hg19) VCF-style: chrX-70443956-G-A.
Other names: c.399G>A, p.Trp133Ter (NM_001097642.3); short protein forms W133*.
Identifiers: ClinVar variation 637664 (VCV000637664.24), dbSNP rs1602349302, ClinGen allele CA413502190.